The following is an entry in ClinVar:

ClinVar aggregate classification (germline): Pathogenic (1 of 4 stars; one submission).

Conditions:
Fetal akinesia deformation sequence 1 (FADS1). Also called: Fetal akinesia sequence; Pena-Shokeir syndrome type I. Identifiers: Orphanet 994, MedGen C1276035, MONDO:0100101, OMIM 208150, HP:0001989.
Congenital myasthenic syndrome 10. Also called: Myasthenia, limb-girdle, familial. Identifiers: Orphanet 590, MedGen C1850792, MONDO:0009690, OMIM 254300.

Submission:

Labcorp Genetics (formerly Invitae), Labcorp
Classification: Pathogenic for Congenital myasthenic syndrome 10; Fetal akinesia deformation sequence 1. Last evaluated: 2023-11-25. Review status: criteria provided, single submitter. Criteria: Invitae Variant Classification Sherloc (09022015). Collection method: clinical testing. Allele origin: germline.
Comment: This sequence change results in a frameshift in the DOK7 gene (p.Cys442Valfs*77). While this is not anticipated to result in nonsense mediated decay, it is expected to disrupt the last 63 amino acid(s) of the DOK7 protein and extend the protein by 13 additional amino acid residues. This variant is not present in population databases (gnomAD no frequency). This variant has not been reported in the literature in individuals affected with DOK7-related conditions. This variant results in an extension of the DOK7 protein. Other variant(s) that result in a similarly extended protein product (p.Gln460Profs*59) have been determined to be pathogenic (PMID: 16917026, 18626973). This suggests that these extensions are likely to be disease-causing. For these reasons, this variant has been classified as Pathogenic.

Literature cited by the submitters: PubMed 16917026; PubMed 18626973.

NM_173660.5(DOK7):c.1323dup (p.Cys442fs)

Gene: DOK7 (docking protein 7; plus strand). Cytogenetic location: 4p16.3.
Variant type: Duplication.
Coding change: c.1323dup on transcript NM_173660.5 (MANE Select); coding-DNA position 1323, one base duplicated (G; older notation c.1323dupG).
Protein change: p.Cys442fs; shifts the reading frame from cysteine 442.
Molecular consequence: frameshift variant. On other transcripts: 3 prime UTR variant (1).
Genome position (GRCh38, 1-based): chr4:3,493,309, G duplicated; the last of 3 consecutive G bases (chr4:3,493,307-3,493,309); duplicating any one gives the same sequence. VCF-style (leftmost placement, unchanged base first): chr4-3493306-C-CG. GRCh37 (hg19) VCF-style: chr4-3495033-C-CG.
Other names: c.*544dup (NM_001164673.2); c.393dup, p.Cys132fs (NM_001256896.2); c.1323dup, p.Cys442fs (NM_001301071.2); c.891dup, p.Cys298fs (NM_001363811.2); short protein forms C298fs, C132fs, C442fs.
Identifiers: ClinVar variation 2924727 (VCV002924727.3), dbSNP rs1210035894, ClinGen allele CA2740091107.
Genomic context (GRCh38, chr4:3,493,306, plus strand): 5'-CCCCTCACAGGGCAGCCCCGGCAACAGTGCGGCCAGGGACTCAGGCGGCCAGACGTCCGC[C>CG]GGGTGTCCCTCTGGCTGGCTGGGCACGAGACGGCGGGGCCTGGTGATGGAGGCCCCCCAG-3'